The following is an entry in ClinVar:

ClinVar aggregate classification (germline): Likely benign (1 of 4 stars; one submission).

Allele frequency attached by ClinVar (database versions not stated): 1000 Genomes Project 0.00399; gnomAD 0.00468.
gnomAD v4.1: 193 of 41,144 alleles (0.47%); highest among the groups gnomAD compares: African/African-American, 1.8%; 1 homozygote.

Submission:

GeneDx
Classification: Likely benign. Last evaluated: 2022-02-04. Review status: criteria provided, single submitter. Criteria: GeneDx Variant Classification Process June 2021. Collection method: clinical testing. Allele origin: germline. Affected: yes.
Comment: See Variant Classification Assertion Criteria.

NM_000718.4(CACNA1B):c.5914-218C>T

Gene: CACNA1B (calcium voltage-gated channel subunit alpha1 B; plus strand). Cytogenetic location: 9q34.3.
Variant type: single nucleotide variant.
Coding change: c.5914-218C>T on transcript NM_000718.4 (MANE Select); 218 bases into the intron before coding-DNA position 5914, C replaced by T.
Molecular consequence: intron variant.
Genome position (GRCh38, 1-based): chr9:138,118,434, C>T. VCF-style: chr9-138118434-C-T. GRCh37 (hg19) VCF-style: chr9-141012886-C-T.
Other names: c.5914-218C>T (NM_001243812.2).
Identifiers: ClinVar variation 2502641 (VCV002502641.1), dbSNP rs577460552, ClinGen allele CA201872248.